The following is an entry in ClinVar:

ClinVar aggregate classification (germline): Benign. Review status: criteria provided, multiple submitters, no conflicts (2 of 4 stars). 4 submissions from 3 submitters: Benign (4). Last evaluated 2021-09-05.

Conditions:
Adams-Oliver syndrome 5 (AOS5). Identifiers: Orphanet 974, MedGen C4014970, MONDO:0014459, OMIM 616028.
Aortic valve disease 1 (AOVD1). Identifiers: MedGen C3887892, MONDO:0024523, OMIM 109730.

Allele frequency attached by ClinVar (database versions not stated): gnomAD exomes 0.56874 and 0.63814; ExAC 0.66269; gnomAD 0.66710 and 0.66897; ESP Exome Variant Server 0.66903; TOPMed 0.68813; 1000 Genomes Project 0.76478; 1000 Genomes Project 30x 0.76624.
gnomAD v4.1: 893,734 of 1,541,498 alleles (58%); highest among the groups gnomAD compares: African/African-American, 89%; 266,370 homozygotes.

Submissions (4):

Genome-Nilou Lab
Classification: Benign for Adams-Oliver syndrome 5. Last evaluated: 2021-09-05. Review status: criteria provided, single submitter. Criteria: ACMG Guidelines, 2015. Collection method: clinical testing. Allele origin: germline. Affected: no.

Genome-Nilou Lab
Classification: Benign for Aortic valve disease 1. Last evaluated: 2021-09-05. Review status: criteria provided, single submitter. Criteria: ACMG Guidelines, 2015. Collection method: clinical testing. Allele origin: germline. Affected: no.

GeneDx
Classification: Benign. Last evaluated: 2018-06-14. Review status: criteria provided, single submitter. Criteria: GeneDx Variant Classification (06012015). Collection method: clinical testing. Allele origin: germline. Affected: yes.
Comment: This variant is considered likely benign or benign based on one or more of the following criteria: it is a conservative change, it occurs at a poorly conserved position in the protein, it is predicted to be benign by multiple in silico algorithms, and/or has population frequency not consistent with disease.

Breakthrough Genomics
Classification: Benign. Review status: criteria provided, single submitter. Criteria: ACMG Guidelines, 2015. Collection method: not provided. Allele origin: germline. Inheritance: Autosomal dominant inheritance. Affected: yes.

NM_017617.5(NOTCH1):c.2970-31A>G

Gene: NOTCH1 (notch receptor 1; minus strand). Cytogenetic location: 9q34.3.
Variant type: single nucleotide variant.
Coding change: c.2970-31A>G on transcript NM_017617.5 (MANE Select); 31 bases into the intron before coding-DNA position 2970, A replaced by G.
Molecular consequence: intron variant.
Genome position (GRCh38, 1-based): chr9:136,509,102, T>C on the plus strand (A>G on the coding strand, the complement: NOTCH1 is on the minus strand). VCF-style: chr9-136509102-T-C. GRCh37 (hg19) VCF-style: chr9-139403554-T-C.
Identifiers: ClinVar variation 678084 (VCV000678084.4), dbSNP rs3124598, ClinGen allele CA5341081.